The following is an entry in ClinVar:

ClinVar aggregate classification (germline): Uncertain significance (1 of 4 stars; one submission).

Conditions:
Hypertrophic cardiomyopathy. Also called: HYPERTROPHIC MYOCARDIOPATHY. Identifiers: Orphanet 217569, MedGen C0007194, MeSH D002312, MONDO:0005045, HP:0001639.

Submission:

Labcorp Genetics (formerly Invitae), Labcorp
Classification: Uncertain significance for Hypertrophic cardiomyopathy. Last evaluated: 2022-05-21. Review status: criteria provided, single submitter. Criteria: Invitae Variant Classification Sherloc (09022015). Collection method: clinical testing. Allele origin: germline.
Comment: This variant is not present in population databases (gnomAD no frequency). This sequence change replaces serine, which is neutral and polar, with arginine, which is basic and polar, at codon 530 of the MYBPC3 protein (p.Ser530Arg). This variant has not been reported in the literature in individuals affected with MYBPC3-related conditions. In summary, the available evidence is currently insufficient to determine the role of this variant in disease. Therefore, it has been classified as a Variant of Uncertain Significance. Algorithms developed to predict the effect of missense changes on protein structure and function (SIFT, PolyPhen-2, Align-GVGD) all suggest that this variant is likely to be disruptive.

NM_000256.3(MYBPC3):c.1590C>A (p.Ser530Arg)

Gene: MYBPC3 (myosin binding protein C3; minus strand). Cytogenetic location: 11p11.2.
Variant type: single nucleotide variant.
Coding change: c.1590C>A on transcript NM_000256.3 (MANE Select); coding-DNA position 1590, C replaced by A.
Protein change: p.Ser530Arg; replaces serine 530 with arginine.
Molecular consequence: missense variant.
Genome position (GRCh38, 1-based): chr11:47,342,612, G>T on the plus strand (C>A on the coding strand, the complement: MYBPC3 is on the minus strand). VCF-style: chr11-47342612-G-T. GRCh37 (hg19) VCF-style: chr11-47364163-G-T.
Other names: short protein forms S530R.
Identifiers: ClinVar variation 1903177 (VCV001903177.5), dbSNP rs763905291, ClinGen allele CA380325043.